The following is an entry in ClinVar:

NM_012309.5(SHANK2):c.2521C>T (p.Arg841Ter)

Gene: SHANK2 (SH3 and multiple ankyrin repeat domains 2; minus strand). Cytogenetic location: 11q13.3.
Variant type: single nucleotide variant.
Coding change: c.2521C>T on transcript NM_012309.5 (MANE Select); coding-DNA position 2521, C replaced by T.
Protein change: p.Arg841Ter; replaces arginine 841 with a stop codon.
Molecular consequence: nonsense. On other transcripts: non-coding transcript variant (1).
Genome position (GRCh38, 1-based): chr11:70,490,306, G>A on the plus strand (C>T on the coding strand, the complement: SHANK2 is on the minus strand). VCF-style: chr11-70490306-G-A. GRCh37 (hg19) VCF-style: chr11-70336411-G-A.
Other names: c.1384C>T, p.Arg462Ter (NM_001379226.1); c.757C>T, p.Arg253Ter (NM_133266.5); short protein forms R253*, R462*, R841*.
Identifiers: ClinVar variation 992847 (VCV000992847.7), dbSNP rs2135751909, ClinGen allele CA381690690.

ClinVar aggregate classification (germline): Pathogenic. Review status: criteria provided, multiple submitters, no conflicts (2 of 4 stars). 4 submissions from 4 submitters: Pathogenic (3). 1 of the submissions does not count toward it. Last evaluated 2023-12-21.

Conditions:
Autism, susceptibility to, 17. Also called: Autism susceptibility 17. Identifiers: MedGen C3150693, MONDO:0013265, OMIM 613436.

Submissions (4):

Victorian Clinical Genetics Services, Murdoch Childrens Research Institute
Classification: Pathogenic for Autism, susceptibility to, 17. Last evaluated: 2023-12-21. Review status: criteria provided, single submitter. Criteria: ACMG Guidelines, 2015. Collection method: clinical testing. Allele origin: germline. Inheritance: Autosomal dominant inheritance. Affected: yes.
Comment: Based on the classification scheme VCGS_Germline_v1.3.4, this variant is classified as Pathogenic. Following criteria are met: 0102 - Loss of function is a known mechanism of disease in this gene and is associated with autism susceptibility 17 (MIM#613436). (I) 0107 - This gene is associated with autosomal dominant disease. (I) 0201 - Variant is predicted to cause nonsense-mediated decay (NMD) and loss of protein (premature termination codon is located at least 54 nucleotides upstream of the final exon-exon junction). (SP) 0251 - This variant is heterozygous. (I) 0301 - Variant is absent from gnomAD (both v2 and v3). (SP) 0701 - Other NMD-predicted variants comparable to the one identified in this case have very strong previous evidence for pathogenicity (DECIPHER). (SP) 0801 - This variant has strong previous evidence of pathogenicity in unrelated individuals. This variant has been classified as pathogenic by clinical laboratories in ClinVar, and has been observed as de novo in two individuals with autism spectrum disorder (PMIDs: 20473310, 28263302). (SP) Legend: (SP) - Supporting pathogenic, (I) - Information, (SB) - Supporting benign

Greenwood Genetic Center Diagnostic Laboratories, Greenwood Genetic Center
Classification: Pathogenic for Autism, susceptibility to, 17. Last evaluated: 2021-12-09. Review status: criteria provided, single submitter. Criteria: ACMG Guidelines, 2015. Collection method: clinical testing. Allele origin: germline. Affected: yes.
Comment: PVS1, PS2, PM2

Laboratoire de Génétique Moléculaire, CHU Bordeaux
Classification: Pathogenic. Review status: criteria provided, single submitter. Criteria: ACMG Guidelines, 2015. Collection method: clinical testing. Allele origin: germline. Affected: yes.

OMIM
Classification: risk factor for AUTISM, SUSCEPTIBILITY TO, 17. Last evaluated: 2010-06-01. Review status: no assertion criteria provided. Collection method: literature only. Allele origin: germline. Not counted in ClinVar's aggregate classification.

Literature cited by the submitters: PubMed 20473310 (cited by Victorian Clinical Genetics Services, Murdoch Childrens Research Institute and OMIM); PubMed 28263302 (cited by Victorian Clinical Genetics Services, Murdoch Childrens Research Institute).